The following is an entry in ClinVar:

ClinVar aggregate classification (germline): Uncertain significance. Review status: criteria provided, multiple submitters, no conflicts (2 of 4 stars). 3 submissions from 3 submitters: Uncertain significance (3). Last evaluated 2024-06-03.

Conditions:
Neuronal ceroid lipofuscinosis. Also called: Neuronal Ceroid Lipofuscinoses. Identifiers: Orphanet 216, Orphanet 79263, MedGen C0027877, MONDO:0016295. Disease mechanism: loss of function.

Allele frequency attached by ClinVar (database versions not stated): gnomAD exomes 0.00001.
gnomAD v4.1: 9 of 1,578,454 alleles (0.00057%); highest among the groups gnomAD compares: Non-Finnish European, 0.00077%; no homozygotes.

Submissions (3):

Labcorp Genetics (formerly Invitae), Labcorp
Classification: Uncertain significance for Neuronal ceroid lipofuscinosis. Last evaluated: 2024-06-03. Review status: criteria provided, single submitter. Criteria: Invitae Variant Classification Sherloc (09022015). Collection method: clinical testing. Allele origin: germline.
Comment: This sequence change replaces alanine, which is neutral and non-polar, with valine, which is neutral and non-polar, at codon 176 of the DNAJC5 protein (p.Ala176Val). This variant is not present in population databases (gnomAD no frequency). This variant has not been reported in the literature in individuals affected with DNAJC5-related conditions. ClinVar contains an entry for this variant (Variation ID: 809276). Algorithms developed to predict the effect of missense changes on protein structure and function output the following: SIFT: "Not Available"; PolyPhen-2: "Benign"; Align-GVGD: "Not Available". The valine amino acid residue is found in multiple mammalian species, which suggests that this missense change does not adversely affect protein function. In summary, the available evidence is currently insufficient to determine the role of this variant in disease. Therefore, it has been classified as a Variant of Uncertain Significance.

GeneDx
Classification: Uncertain significance. Last evaluated: 2019-07-03. Review status: criteria provided, single submitter. Criteria: GeneDx Variant Classification Process June 2021. Collection method: clinical testing. Allele origin: germline. Affected: yes.
Comment: Not observed in large population cohorts (Lek et al., 2016); In silico analysis, which includes protein predictors and evolutionary conservation, supports that this variant does not alter protein structure/function; Has not been previously published as pathogenic or benign to our knowledge

CeGaT Center for Human Genetics Tuebingen
Classification: Uncertain significance. Last evaluated: 2018-03-01. Review status: criteria provided, single submitter. Criteria: CeGaT Center For Human Genetics Tuebingen Variant Classification Criteria Version 2. Collection method: clinical testing. Allele origin: germline. Affected: yes. Observed: 1 variant allele.

NM_025219.3(DNAJC5):c.527C>T (p.Ala176Val)

Gene: DNAJC5 (DnaJ heat shock protein family (Hsp40) member C5; plus strand). Cytogenetic location: 20q13.33.
Variant type: single nucleotide variant.
Coding change: c.527C>T on transcript NM_025219.3 (MANE Select); coding-DNA position 527, C replaced by T.
Protein change: p.Ala176Val; replaces alanine 176 with valine.
Molecular consequence: missense variant.
Genome position (GRCh38, 1-based): chr20:63,931,498, C>T. VCF-style: chr20-63931498-C-T. GRCh37 (hg19) VCF-style: chr20-62562851-C-T.
Other names: short protein forms A176V.
Identifiers: ClinVar variation 809276 (VCV000809276.49), dbSNP rs199540600, ClinGen allele CA317523028.